The following is an entry in ClinVar:

ClinVar aggregate classification (germline): Conflicting classifications of pathogenicity. Review status: criteria provided, conflicting classifications (1 of 4 stars). 6 submissions from 6 submitters: Uncertain significance (4); Benign (1); Likely benign (1). Last evaluated 2025-11-21.

Conditions:
Bethlem myopathy 1A. Also called: Bethlem myopathy 1; Bethlem Muscular Dystrophy; MYOPATHY, BENIGN CONGENITAL, WITH CONTRACTURES. Identifiers: Orphanet 610, MedGen CN029274, MONDO:0024530, OMIM 158810.
Collagen 6-related myopathy. Identifiers: MedGen CN117976, MONDO:0100225.

Allele frequency attached by ClinVar (database versions not stated): ESP Exome Variant Server 0.00008; ExAC 0.00009; gnomAD exomes 0.00011 and 0.00026; TOPMed 0.00049; gnomAD 0.00050 and 0.00051.
gnomAD v4.1: 243 of 1,604,828 alleles (0.015%); highest among the groups gnomAD compares: Admixed American, 0.15%; no homozygotes.

Submissions (6):

GeneDx
Classification: Uncertain significance. Last evaluated: 2025-11-21. Review status: criteria provided, single submitter. Criteria: GeneDx Variant Classification Process June 2021. Collection method: clinical testing. Allele origin: germline. Affected: yes.
Comment: Reported as a heterozygous variant of uncertain significance in an individual with primary ovarian insufficiency in published literature (PMID: 34803902); In silico analysis suggests that this missense variant does not alter protein structure/function; This variant is associated with the following publications: (PMID: 30564623, 34803902)

Labcorp Genetics (formerly Invitae), Labcorp
Classification: Likely benign for Bethlem myopathy 1A. Last evaluated: 2025-11-14. Review status: criteria provided, single submitter. Criteria: Invitae Variant Classification Sherloc (09022015). Collection method: clinical testing. Allele origin: germline.

CeGaT Center for Human Genetics Tuebingen
Classification: Uncertain significance. Last evaluated: 2025-08-01. Review status: criteria provided, single submitter. Criteria: CeGaT Center For Human Genetics Tuebingen Variant Classification Criteria Version 2. Collection method: clinical testing. Allele origin: germline. Affected: yes. Observed: 2 variant alleles.
Comment: COL6A2: PM2

Revvity Omics, Revvity
Classification: Uncertain significance. Last evaluated: 2024-04-02. Review status: criteria provided, single submitter. Criteria: ACMG Guidelines, 2015. Collection method: clinical testing. Allele origin: germline.

Illumina Laboratory Services, Illumina
Classification: Benign for Collagen VI-related myopathy. Last evaluated: 2018-01-13. Review status: criteria provided, single submitter. Criteria: ICSL Variant Classification Criteria 13 December 2019. Collection method: clinical testing. Allele origin: germline.
Comment: This variant was observed in the ICSL laboratory as part of a predisposition screen in an ostensibly healthy population. It had not been previously curated by ICSL or reported in the Human Gene Mutation Database (HGMD: prior to June 1st, 2018), and was therefore a candidate for classification through an automated scoring system. Utilizing variant allele frequency, disease prevalence and penetrance estimates, and inheritance mode, an automated score was calculated to assess if this variant is too frequent to cause the disease. Based on the score and internal cut-off values, a variant classified as benign is not then subjected to further curation. The score for this variant resulted in a classification of benign for this disease.

Eurofins Ntd Llc (ga)
Classification: Uncertain significance. Last evaluated: 2016-09-29. Review status: criteria provided, single submitter. Criteria: EGL Classification Definitions 2015. Collection method: clinical testing. Allele origin: germline. Observed: 2 variant alleles, 2 heterozygotes.

NM_001849.4(COL6A2):c.2575G>A (p.Val859Met)

Gene: COL6A2 (collagen type VI alpha 2 chain; plus strand). Cytogenetic location: 21q22.3.
Variant type: single nucleotide variant.
Coding change: c.2575G>A on transcript NM_001849.4 (MANE Select); coding-DNA position 2575, G replaced by A.
Protein change: p.Val859Met; replaces valine 859 with methionine.
Molecular consequence: missense variant.
Genome position (GRCh38, 1-based): chr21:46,132,067, G>A. VCF-style: chr21-46132067-G-A. GRCh37 (hg19) VCF-style: chr21-47551981-G-A.
Other names: short protein forms V859M.
Identifiers: ClinVar variation 340380 (VCV000340380.63), dbSNP rs370446082, ClinGen allele CA10072931.